The following is an entry in ClinVar:

ClinVar aggregate classification (germline): Uncertain significance (1 of 4 stars; one submission).

Submission:

Labcorp Genetics (formerly Invitae), Labcorp
Classification: Uncertain significance. Last evaluated: 2024-04-09. Review status: criteria provided, single submitter. Criteria: Invitae Variant Classification Sherloc (09022015). Collection method: clinical testing. Allele origin: germline.
Comment: This sequence change replaces proline, which is neutral and non-polar, with serine, which is neutral and polar, at codon 1010 of the DCHS1 protein (p.Pro1010Ser). This variant is present in population databases (no rsID available, gnomAD 0.001%). This variant has not been reported in the literature in individuals affected with DCHS1-related conditions. Advanced modeling of protein sequence and biophysical properties (such as structural, functional, and spatial information, amino acid conservation, physicochemical variation, residue mobility, and thermodynamic stability) performed at Invitae indicates that this missense variant is not expected to disrupt DCHS1 protein function with a negative predictive value of 80%. In summary, the available evidence is currently insufficient to determine the role of this variant in disease. Therefore, it has been classified as a Variant of Uncertain Significance.

NM_003737.4(DCHS1):c.3028C>T (p.Pro1010Ser)

Gene: DCHS1 (dachsous cadherin-related 1; minus strand). Cytogenetic location: 11p15.4.
Variant type: single nucleotide variant.
Coding change: c.3028C>T on transcript NM_003737.4 (MANE Select); coding-DNA position 3028, C replaced by T.
Protein change: p.Pro1010Ser; replaces proline 1010 with serine.
Molecular consequence: missense variant.
Genome position (GRCh38, 1-based): chr11:6,632,484, G>A on the plus strand (C>T on the coding strand, the complement: DCHS1 is on the minus strand). VCF-style: chr11-6632484-G-A. GRCh37 (hg19) VCF-style: chr11-6653715-G-A.
Other names: short protein forms P1010S.
Identifiers: ClinVar variation 3702379 (VCV003702379.2).